The following is an entry in ClinVar:

NM_024685.4(BBS10):c.311A>T (p.Glu104Val)

Gene: BBS10 (Bardet-Biedl syndrome 10; minus strand). Cytogenetic location: 12q21.2.
Variant type: single nucleotide variant.
Coding change: c.311A>T on transcript NM_024685.4 (MANE Select); coding-DNA position 311, A replaced by T.
Protein change: p.Glu104Val; replaces glutamic acid 104 with valine.
Molecular consequence: missense variant.
Genome position (GRCh38, 1-based): chr12:76,347,674, T>A on the plus strand (A>T on the coding strand, the complement: BBS10 is on the minus strand). VCF-style: chr12-76347674-T-A. GRCh37 (hg19) VCF-style: chr12-76741454-T-A.
Other names: short protein forms E104V.
Identifiers: ClinVar variation 4983608 (VCV004983608.1).

ClinVar aggregate classification (germline): Uncertain significance (1 of 4 stars; one submission).

Conditions:
BBS10-related disorder. Also called: BBS10-related condition.

gnomAD v4.1: 2 of 1,613,372 alleles (0.00012%); highest among the groups gnomAD compares: Non-Finnish European, 0.00017%; no homozygotes.

Submission:

PreventionGenetics, part of Exact Sciences
Classification: Uncertain significance for BBS10-related condition. Last evaluated: 2026-03-20. Review status: criteria provided, single submitter. Criteria: ACMG Guidelines, 2015. Collection method: clinical testing. Allele origin: germline.
Comment: The BBS10 c.311A>T variant is predicted to result in the amino acid substitution p.Glu104Val. To our knowledge, this variant has not been reported in the literature or in a large population database (gnomAD), indicating this variant is rare. At this time, the clinical significance of this variant is uncertain due to the absence of conclusive functional and genetic evidence.